The following is an entry in ClinVar:

NM_021005.4(NR2F2):c.1185C>T (p.Leu395=)

Gene: NR2F2 (nuclear receptor subfamily 2 group F member 2; plus strand). Cytogenetic location: 15q26.2.
Variant type: single nucleotide variant.
Coding change: c.1185C>T on transcript NM_021005.4 (MANE Select); coding-DNA position 1185, C replaced by T.
Protein change: p.Leu395=; no amino-acid change (leucine 395 retained).
Molecular consequence: synonymous variant.
Genome position (GRCh38, 1-based): chr15:96,337,562, C>T. VCF-style: chr15-96337562-C-T. GRCh37 (hg19) VCF-style: chr15-96880791-C-T.
Other names: c.786C>T, p.Leu262= (NM_001145155.2); c.726C>T, p.Leu242= (NM_001145156.1, NM_001145157.2).
Identifiers: ClinVar variation 4822047 (VCV004822047.4).
Genomic context (GRCh38, chr15:96,337,562, plus strand): 5'-CTCAGTCATAGAGCAATTGTTTTTCGTCCGTTTGGTAGGTAAAACCCCCATCGAAACCCT[C>T]ATCCGGGATATGTTACTGTCCGGCAGCAGTTTTAACTGGCCGTATATGGCAATTCAATAA-3'
Protein context (NP_066285.1, residues 385-405): RLVGKTPIET[Leu395=]IRDMLLSGSS

ClinVar aggregate classification (germline): Likely benign (1 of 4 stars; one submission).

Submission:

CeGaT Center for Human Genetics Tuebingen
Classification: Likely benign. Last evaluated: 2026-01-01. Review status: criteria provided, single submitter. Criteria: CeGaT Center For Human Genetics Tuebingen Variant Classification Criteria Version 2. Collection method: clinical testing. Allele origin: germline. Affected: yes. Observed: 1 variant allele.
Comment: NR2F2: BP4, BP7